The following is an entry in ClinVar:

ClinVar aggregate classification (germline): Likely benign. Review status: criteria provided, multiple submitters, no conflicts (2 of 4 stars). 3 submissions from 3 submitters: Likely benign (3). Last evaluated 2025-12-27.

Conditions:
Hereditary cancer-predisposing syndrome. Also called: Tumor predisposition; Hereditary Cancer Syndrome; Neoplastic Syndromes, Hereditary; Hereditary neoplastic syndrome. Identifiers: Orphanet 140162, MedGen C0027672, MeSH D009386, MONDO:0015356.
Tuberous sclerosis syndrome (TSC). Also called: Tuberous Sclerosis Complex; Tuberous sclerosis. Identifiers: Orphanet 805, MedGen C0041341, MONDO:0001734.
Tuberous sclerosis 1 (TSC1). Identifiers: Orphanet 805, MedGen C1854465, MONDO:0008612, OMIM 191100.

Allele frequency attached by ClinVar (database versions not stated): gnomAD 0.00001; TOPMed 0.00001.
gnomAD v4.1: 4 of 1,614,058 alleles (0.00025%); highest among the groups gnomAD compares: Non-Finnish European, 0.00034%; no homozygotes.

Submissions (3):

Labcorp Genetics (formerly Invitae), Labcorp
Classification: Likely benign for Tuberous sclerosis 1. Last evaluated: 2025-12-27. Review status: criteria provided, single submitter. Criteria: Invitae Variant Classification Sherloc (09022015). Collection method: clinical testing. Allele origin: germline.

All of Us Research Program, National Institutes of Health
Classification: Likely benign for Tuberous sclerosis syndrome. Last evaluated: 2023-11-02. Review status: criteria provided, single submitter. Criteria: ACMG Guidelines, 2015. Collection method: clinical testing. Allele origin: germline. Inheritance: Autosomal dominant inheritance. Observed: 1 variant allele, 1 heterozygote.
Comment: This study involves interpretation of variants in research participants for the purpose of population health screening. Participant phenotype was not available at the time of variant classification. Additional details can be found in publication PMID: 35346344, PMCID: PMC8962531

Ambry Genetics
Classification: Likely benign for Hereditary cancer-predisposing syndrome. Last evaluated: 2019-07-04. Review status: criteria provided, single submitter. Criteria: Ambry Variant Classification Scheme 2023. Collection method: clinical testing. Allele origin: germline.

NM_000368.5(TSC1):c.2766T>C (p.Leu922=)

Gene: TSC1 (TSC complex subunit 1; minus strand). Cytogenetic location: 9q34.13.
Variant type: single nucleotide variant.
Coding change: c.2766T>C on transcript NM_000368.5 (MANE Select); coding-DNA position 2766, T replaced by C.
Protein change: p.Leu922=; no amino-acid change (leucine 922 retained).
Molecular consequence: synonymous variant.
Genome position (GRCh38, 1-based): chr9:132,897,470, A>G on the plus strand (T>C on the coding strand, the complement: TSC1 is on the minus strand). VCF-style: chr9-132897470-A-G. GRCh37 (hg19) VCF-style: chr9-135772857-A-G.
Other names: c.2763T>C, p.Leu921= (NM_001162426.2); c.2613T>C, p.Leu871= (NM_001162427.2); c.2403T>C, p.Leu801= (NM_001362177.2).
Identifiers: ClinVar variation 763233 (VCV000763233.11), dbSNP rs546119844, ClinGen allele CA467812780.
Genomic context (GRCh38, chr9:132,897,470, plus strand): 5'-TGATGAAAGTTACCTTGCCTGGAGTTTGACATCCTCTAGATATTTCTTCTGTTCCAAAAG[A>G]AGGTGGTCTTTCTTGGCCAGGTGAGATTCCAGTTCCAAAATCCGTTTTTGGGAGGTATCA-3'
Protein context (NP_000359.1, residues 912-932): LESHLAKKDH[Leu922=]LLEQKKYLED